The following is an entry in ClinVar:

ClinVar aggregate classification (germline): Benign/Likely benign. Review status: criteria provided, multiple submitters, no conflicts (2 of 4 stars). 11 submissions from 11 submitters: Benign (5); Likely benign (5). 1 of the submissions does not count toward it. Last evaluated 2026-02-02.

Conditions:
Heterotaxy, visceral, 4, autosomal (HTX4). Identifiers: Orphanet 450, MedGen C3151057, MONDO:0013403, OMIM 613751.

Allele frequency attached by ClinVar (database versions not stated): 1000 Genomes Project 0.00379; 1000 Genomes Project 30x 0.00390; gnomAD 0.00639 and 0.00657; ExAC 0.00644; gnomAD exomes 0.00670 and 0.00843; TOPMed 0.00685; ESP Exome Variant Server 0.00769.

Submissions (11):

Labcorp Genetics (formerly Invitae), Labcorp
Classification: Benign for Heterotaxy, visceral, 4, autosomal. Last evaluated: 2026-02-02. Review status: criteria provided, single submitter. Criteria: Invitae Variant Classification Sherloc (09022015). Collection method: clinical testing. Allele origin: germline.

CeGaT Center for Human Genetics Tuebingen
Classification: Likely benign. Last evaluated: 2025-11-01. Review status: criteria provided, single submitter. Criteria: CeGaT Center For Human Genetics Tuebingen Variant Classification Criteria Version 2. Collection method: clinical testing. Allele origin: germline. Affected: yes. Observed: 2 variant alleles.
Comment: ACVR2B: BP4, BS2

Blueprint Genetics
Classification: Likely benign. Last evaluated: 2024-11-26. Review status: criteria provided, single submitter. Criteria: ACMG Guidelines, 2015. Collection method: clinical testing. Allele origin: germline.

Eurofins Ntd Llc (ga)
Classification: Likely benign. Last evaluated: 2018-06-12. Review status: criteria provided, single submitter. Criteria: EGL ClinVar v180209 classification definitions. Collection method: clinical testing. Allele origin: germline. Observed: 1 variant allele, 1 heterozygote.

Illumina Laboratory Services, Illumina
Classification: Benign for Heterotaxy, visceral, 4, autosomal. Last evaluated: 2018-01-13. Review status: criteria provided, single submitter. Criteria: ICSL Variant Classification Criteria 13 December 2019. Collection method: clinical testing. Allele origin: germline.
Comment: This variant was observed in the ICSL laboratory as part of a predisposition screen in an ostensibly healthy population. It had not been previously curated by ICSL or reported in the Human Gene Mutation Database (HGMD: prior to June 1st, 2018), and was therefore a candidate for classification through an automated scoring system. Utilizing variant allele frequency, disease prevalence and penetrance estimates, and inheritance mode, an automated score was calculated to assess if this variant is too frequent to cause the disease. Based on the score and internal cut-off values, a variant classified as benign is not then subjected to further curation. The score for this variant resulted in a classification of benign for this disease.

Clinical Genetics DNA and cytogenetics Diagnostics Lab, Erasmus MC, Erasmus Medical Center
Classification: Benign for Heterotaxy, visceral, 4, autosomal. Last evaluated: 2015-09-21. Review status: criteria provided, single submitter. Criteria: ACGS Guidelines, 2013. Collection method: clinical testing. Allele origin: germline. Affected: yes. Study: VKGL Data-share Consensus.

Genome Diagnostics Laboratory, University Medical Center Utrecht
Classification: Likely benign for Heterotaxy, visceral, 4, autosomal. Last evaluated: 2014-10-09. Review status: criteria provided, single submitter. Criteria: ACGS Guidelines, 2013. Collection method: clinical testing. Allele origin: germline. Affected: yes. Study: VKGL Data-share Consensus.

GeneDx
Classification: Benign. Last evaluated: 2013-09-24. Review status: criteria provided, single submitter. Criteria: GeneDx Variant Classification (06012015). Collection method: clinical testing. Allele origin: germline. Affected: yes.
Comment: This variant is considered likely benign or benign based on one or more of the following criteria: it is a conservative change, it occurs at a poorly conserved position in the protein, it is predicted to be benign by multiple in silico algorithms, and/or has population frequency not consistent with disease.

Breakthrough Genomics
Classification: Likely benign. Review status: criteria provided, single submitter. Criteria: ACMG Guidelines, 2015. Collection method: not provided. Allele origin: germline. Inheritance: Unknown mechanism. Affected: yes.

PreventionGenetics, part of Exact Sciences
Classification: Benign. Review status: criteria provided, single submitter. Criteria: ACMG Guidelines, 2015. Collection method: clinical testing. Allele origin: germline.

Laboratory of Diagnostic Genome Analysis, Leiden University Medical Center (LUMC)
Classification: Likely benign. Review status: no assertion criteria provided. Collection method: clinical testing. Allele origin: germline. Affected: yes. Study: VKGL Data-share Consensus. Not counted in ClinVar's aggregate classification.

NM_001106.4(ACVR2B):c.1075-5C>T

Gene: ACVR2B (activin A receptor type 2B; plus strand). Cytogenetic location: 3p22.2.
Variant type: single nucleotide variant.
Coding change: c.1075-5C>T on transcript NM_001106.4 (MANE Select); 5 bases into the intron before coding-DNA position 1075, C replaced by T.
Molecular consequence: intron variant.
Genome position (GRCh38, 1-based): chr3:38,482,193, C>T. VCF-style: chr3-38482193-C-T. GRCh37 (hg19) VCF-style: chr3-38523684-C-T.
Identifiers: ClinVar variation 136290 (VCV000136290.36), dbSNP rs115155428, ClinGen allele CA289291.
Genomic context (GRCh38, chr3:38,482,193, plus strand): 5'-CCATGTCCCAGCTGTGTGTGTATGGCCAGTCACTGTAAATCCTGCCCTCCTCTGTCCTCA[C>T]ATAGGTAGGCACGAGACGGTACATGGCTCCTGAGGTGCTCGAGGGAGCCATCAACTTCCA-3'